The following is an entry in ClinVar:

NM_000038.6(APC):c.3322A>C (p.Asn1108His)

Gene: APC (APC regulator of Wnt signaling pathway; plus strand). Cytogenetic location: 5q22.2.
Variant type: single nucleotide variant.
Coding change: c.3322A>C on transcript NM_000038.6 (MANE Select); coding-DNA position 3322, A replaced by C.
Protein change: p.Asn1108His; replaces asparagine 1108 with histidine.
Molecular consequence: missense variant. On other transcripts: non-coding transcript variant (2).
Genome position (GRCh38, 1-based): chr5:112,838,916, A>C. VCF-style: chr5-112838916-A-C. GRCh37 (hg19) VCF-style: chr5-112174613-A-C.
Other names: c.3322A>C, p.Asn1108His (NM_001127510.3, NM_001354895.2, NM_001407450.1); c.3268A>C, p.Asn1090His (NM_001127511.3); c.3376A>C, p.Asn1126His (NM_001354896.2, NM_001407447.1, NM_001407448.1 and 1 more transcripts); c.3352A>C, p.Asn1118His (NM_001354897.2); c.3247A>C, p.Asn1083His (NM_001354898.2); c.3238A>C, p.Asn1080His (NM_001354899.2); c.3199A>C, p.Asn1067His (NM_001354900.2); c.3145A>C, p.Asn1049His (NM_001354901.2, NM_001407453.1); and 11 more; short protein forms N1080H, N979H, N1049H, N1098H, N1101H, N724H, N948H, N1007H.
Identifiers: ClinVar variation 3305160 (VCV003305160.1).

ClinVar aggregate classification (germline): Uncertain significance (1 of 4 stars; one submission).

Conditions:
Hereditary cancer-predisposing syndrome. Also called: Tumor predisposition; Hereditary Cancer Syndrome; Hereditary neoplastic syndrome; Neoplastic Syndromes, Hereditary. Identifiers: Orphanet 140162, MedGen C0027672, MeSH D009386, MONDO:0015356.

Submission:

Ambry Genetics
Classification: Uncertain significance for Hereditary cancer-predisposing syndrome. Last evaluated: 2024-05-05. Review status: criteria provided, single submitter. Criteria: Ambry Variant Classification Scheme 2023. Collection method: clinical testing. Allele origin: germline.
Comment: The p.N1108H variant (also known as c.3322A>C), located in coding exon 15 of the APC gene, results from an A to C substitution at nucleotide position 3322. The asparagine at codon 1108 is replaced by histidine, an amino acid with similar properties. This amino acid position is conserved. In addition, in silico predictors for this gene do not accurately predict pathogenicity. Based on the available evidence, the clinical significance of this variant remains unclear.